The following is an entry in ClinVar:

ClinVar aggregate classification (germline): Uncertain significance (0 of 4 stars; one submission).

Conditions:
COMP-related disorder. Also called: COMP-related condition; COMP-related disorders.

Submission:

PreventionGenetics, part of Exact Sciences
Classification: Uncertain significance for COMP-related condition. Last evaluated: 2024-07-15. Review status: no assertion criteria provided. Collection method: clinical testing. Allele origin: germline.
Comment: The COMP c.1820C>G variant is predicted to result in the amino acid substitution p.Ser607Cys. To our knowledge, this variant has not been reported in the literature or in a large population database, indicating this variant is rare. At this time, the clinical significance of this variant is uncertain due to the absence of conclusive functional and genetic evidence.

NM_000095.3(COMP):c.1820C>G (p.Ser607Cys)

Gene: COMP (cartilage oligomeric matrix protein; minus strand). Cytogenetic location: 19p13.11.
Variant type: single nucleotide variant.
Coding change: c.1820C>G on transcript NM_000095.3 (MANE Select); coding-DNA position 1820, C replaced by G.
Protein change: p.Ser607Cys; replaces serine 607 with cysteine.
Molecular consequence: missense variant.
Genome position (GRCh38, 1-based): chr19:18,784,990, G>C on the plus strand (C>G on the coding strand, the complement: COMP is on the minus strand). VCF-style: chr19-18784990-G-C. GRCh37 (hg19) VCF-style: chr19-18895800-G-C.
Other names: short protein forms S607C.
Identifiers: ClinVar variation 3345566 (VCV003345566.1).